The following is an entry in ClinVar:

NM_000051.4(ATM):c.3181C>G (p.Leu1061Val)

Gene: ATM (ATM serine/threonine kinase; plus strand). Cytogenetic location: 11q22.3.
Variant type: single nucleotide variant.
Coding change: c.3181C>G on transcript NM_000051.4 (MANE Select); coding-DNA position 3181, C replaced by G.
Protein change: p.Leu1061Val; replaces leucine 1061 with valine.
Molecular consequence: missense variant.
Genome position (GRCh38, 1-based): chr11:108,272,749, C>G. VCF-style: chr11-108272749-C-G. GRCh37 (hg19) VCF-style: chr11-108143476-C-G.
Other names: c.3181C>G, p.Leu1061Val (NM_001351834.2); short protein forms L1061V.
Identifiers: ClinVar variation 628100 (VCV000628100.15), dbSNP rs1565428509, ClinGen allele CA382515629.
Genomic context (GRCh38, chr11:108,272,749, plus strand): 5'-ATTTCATATTTAACCACAGTTCTTTTCCCGTAGGCTGATCCTTATTCAAAATGGGCCATT[C>G]TTAATGTAATGGGAAAAGACTTTCCTGTAAATGAAGTATTTACACAATTTCTTGCTGACA-3'
Protein context (NP_000042.3, residues 1051-1071): EADPYSKWAI[Leu1061Val]NVMGKDFPVN

ClinVar aggregate classification (germline): Uncertain significance. Review status: criteria provided, multiple submitters, no conflicts (2 of 4 stars). 2 submissions from 2 submitters: Uncertain significance (2). Last evaluated 2024-03-06.

Conditions:
Hereditary cancer-predisposing syndrome. Also called: Tumor predisposition; Neoplastic Syndromes, Hereditary; Hereditary Cancer Syndrome; Hereditary neoplastic syndrome. Identifiers: Orphanet 140162, MedGen C0027672, MeSH D009386, MONDO:0015356.
Ataxia-telangiectasia syndrome (AT). Also called: ATAXIA-TELANGIECTASIA, COMPLEMENTATION GROUP A; ATAXIA-TELANGIECTASIA, FRESNO VARIANT; LOUIS-BAR SYNDROME; Ataxia telangiectasia (A-T); Cerebello-oculocutaneous telangiectasia; Immunodeficiency with ataxia telangiectasia. Identifiers: Orphanet 100, MedGen C0004135, MONDO:0008840, OMIM 208900.

Submissions (2):

Color Diagnostics, LLC DBA Color Health
Classification: Uncertain significance for Hereditary cancer-predisposing syndrome. Last evaluated: 2024-03-06. Review status: criteria provided, single submitter. Criteria: ACMG Guidelines, 2015. Collection method: clinical testing. Allele origin: germline.
Comment: This missense variant replaces leucine with valine at codon 1061 of the ATM protein. Computational prediction suggests that this variant may not impact protein structure and function (internally defined REVEL score threshold <= 0.5, PMID: 27666373). To our knowledge, functional studies have not been reported for this variant. This variant has not been reported in individuals affected with ATM-related disorders in the literature. This variant has not been identified in the general population by the Genome Aggregation Database (gnomAD). The available evidence is insufficient to determine the role of this variant in disease conclusively. Therefore, this variant is classified as a Variant of Uncertain Significance.

Labcorp Genetics (formerly Invitae), Labcorp
Classification: Uncertain significance for Ataxia-telangiectasia syndrome. Last evaluated: 2023-12-11. Review status: criteria provided, single submitter. Criteria: Invitae Variant Classification Sherloc (09022015). Collection method: clinical testing. Allele origin: germline.
Comment: This sequence change replaces leucine, which is neutral and non-polar, with valine, which is neutral and non-polar, at codon 1061 of the ATM protein (p.Leu1061Val). This variant is not present in population databases (gnomAD no frequency). This variant has not been reported in the literature in individuals affected with ATM-related conditions. ClinVar contains an entry for this variant (Variation ID: 628100). An algorithm developed to predict the effect of missense changes on protein structure and function (PolyPhen-2) suggests that this variant is likely to be disruptive. In summary, the available evidence is currently insufficient to determine the role of this variant in disease. Therefore, it has been classified as a Variant of Uncertain Significance.